The following is an entry in ClinVar:

ClinVar aggregate classification (germline): Uncertain significance (1 of 4 stars; one submission).

Allele frequency attached by ClinVar (database versions not stated): gnomAD exomes below 0.00001.
gnomAD v4.1: 1 of 1,614,196 alleles (0.000062%); highest among the groups gnomAD compares: Non-Finnish European, 0.000085%; no homozygotes.

Submission:

GeneDx
Classification: Uncertain significance. Last evaluated: 2022-11-25. Review status: criteria provided, single submitter. Criteria: GeneDx Variant Classification Process June 2021. Collection method: clinical testing. Allele origin: germline. Affected: yes.
Comment: Not observed at significant frequency in large population cohorts (gnomAD); In silico analysis supports that this missense variant does not alter protein structure/function; Has not been previously published as pathogenic or benign to our knowledge

NM_015335.5(MED13L):c.6368A>G (p.Gln2123Arg)

Gene: MED13L (mediator complex subunit 13L; minus strand). Cytogenetic location: 12q24.21.
Variant type: single nucleotide variant.
Coding change: c.6368A>G on transcript NM_015335.5 (MANE Select); coding-DNA position 6368, A replaced by G.
Protein change: p.Gln2123Arg; replaces glutamine 2123 with arginine.
Molecular consequence: missense variant.
Genome position (GRCh38, 1-based): chr12:115,966,101, T>C on the plus strand (A>G on the coding strand, the complement: MED13L is on the minus strand). VCF-style: chr12-115966101-T-C. GRCh37 (hg19) VCF-style: chr12-116403906-T-C.
Other names: short protein forms Q2123R.
Identifiers: ClinVar variation 2503218 (VCV002503218.1), dbSNP rs1876139296, ClinGen allele CA386874434.